The following is an entry in ClinVar:

ClinVar aggregate classification (germline): Conflicting classifications of pathogenicity. Review status: criteria provided, conflicting classifications (1 of 4 stars). 5 submissions from 5 submitters: Pathogenic (1); Likely pathogenic (2); Uncertain significance (1). 1 of the submissions does not count toward it. Last evaluated 2024-02-05.

Conditions:
CBL-related disorder. Also called: NOONAN SYNDROME-LIKE DISORDER WITHOUT JUVENILE MYELOMONOCYTIC LEUKEMIA; CBL MUTATION-ASSOCIATED SYNDROME; CBL SYNDROME. Identifiers: Orphanet 363972, MedGen C3150803, MONDO:0013308, OMIM 613563.
RASopathy. Also called: rasopathies; Noonan spectrum disorder. Identifiers: Orphanet 536391, MedGen C5555857, MONDO:0021060.

Allele frequency attached by ClinVar (database versions not stated): gnomAD exomes below 0.00001.
gnomAD v4.1: 1 of 1,611,722 alleles (0.000062%); highest among the groups gnomAD compares: Non-Finnish European, 0.000085%; no homozygotes.

Submissions (5):

GeneDx
Classification: Pathogenic. Last evaluated: 2024-02-05. Review status: criteria provided, single submitter. Criteria: GeneDx Variant Classification Process June 2021. Collection method: clinical testing. Allele origin: germline. Affected: yes.
Comment: Functional studies demonstrates a damaging effect with the K382E variant resulting in attenuation of RAS-MAPK signalling (PMID: 25178484); Not observed at significant frequency in large population cohorts (gnomAD); This variant is associated with the following publications: (PMID: 24803665, 20619386, 22315494, 25178484)

Labcorp Genetics (formerly Invitae), Labcorp
Classification: Uncertain significance for RASopathy. Last evaluated: 2023-03-26. Review status: criteria provided, single submitter. Criteria: Invitae Variant Classification Sherloc (09022015). Collection method: clinical testing. Allele origin: germline.
Comment: ClinVar contains an entry for this variant (Variation ID: 13808). Advanced modeling of protein sequence and biophysical properties (such as structural, functional, and spatial information, amino acid conservation, physicochemical variation, residue mobility, and thermodynamic stability) performed at Invitae indicates that this missense variant is expected to disrupt CBL protein function. Experimental studies have shown that this missense change affects CBL function (PMID: 25178484, 26676746). In summary, the available evidence is currently insufficient to determine the role of this variant in disease. Therefore, it has been classified as a Variant of Uncertain Significance. This missense change has been observed in individual(s) with Noonan syndrome (PMID: 20619386). This sequence change replaces lysine, which is basic and polar, with glutamic acid, which is acidic and polar, at codon 382 of the CBL protein (p.Lys382Glu). This variant is not present in population databases (gnomAD no frequency).

Institute of Medical Genetics and Applied Genomics, University Hospital Tübingen
Classification: Likely pathogenic. Last evaluated: 2020-10-23. Review status: criteria provided, single submitter. Criteria: ACMG Guidelines, 2015. Collection method: clinical testing. Allele origin: germline. Inheritance: Autosomal dominant inheritance. Affected: yes.

Blueprint Genetics
Classification: Likely pathogenic for CBL-related disorders. Last evaluated: 2020-02-03. Review status: criteria provided, single submitter. Criteria: ACMG Guidelines, 2015. Collection method: clinical testing. Allele origin: germline. Affected: yes. Observed: 1 variant allele.

OMIM
Classification: Pathogenic for NOONAN SYNDROME-LIKE DISORDER WITHOUT JUVENILE MYELOMONOCYTIC LEUKEMIA. Last evaluated: 2010-08-13. Review status: no assertion criteria provided. Collection method: literature only. Allele origin: germline. Not counted in ClinVar's aggregate classification.

Literature cited by the submitters: PubMed 25178484 (cited by Labcorp Genetics (formerly Invitae), Labcorp); PubMed 26676746 (cited by Labcorp Genetics (formerly Invitae), Labcorp); PubMed 20619386 (cited by Labcorp Genetics (formerly Invitae), Labcorp and OMIM).

NM_005188.4(CBL):c.1144A>G (p.Lys382Glu)

Gene: CBL (Cbl proto-oncogene; plus strand). Cytogenetic location: 11q23.3.
Variant type: single nucleotide variant.
Coding change: c.1144A>G on transcript NM_005188.4 (MANE Select); coding-DNA position 1144, A replaced by G.
Protein change: p.Lys382Glu; replaces lysine 382 with glutamic acid.
Molecular consequence: missense variant.
Genome position (GRCh38, 1-based): chr11:119,278,214, A>G. VCF-style: chr11-119278214-A-G. GRCh37 (hg19) VCF-style: chr11-119148924-A-G.
Other names: c.1144A>G (NM_005188.2); short protein forms K382E.
Identifiers: ClinVar variation 13808 (VCV000013808.11), dbSNP rs267606705, ClinGen allele CA123486.